The following is an entry in ClinVar:

ClinVar aggregate classification (germline): Pathogenic (1 of 4 stars; one submission).

Submission:

Labcorp Genetics (formerly Invitae), Labcorp
Classification: Pathogenic. Last evaluated: 2019-08-25. Review status: criteria provided, single submitter. Criteria: Invitae Variant Classification Sherloc (09022015). Collection method: clinical testing. Allele origin: germline.
Comment: This sequence change creates a premature translational stop signal (p.Leu552Phefs*11) in the LIFR gene. It is expected to result in an absent or disrupted protein product. For these reasons, this variant has been classified as Pathogenic. Loss-of-function variants in LIFR are known to be pathogenic (PMID: 14740318). This variant has not been reported in the literature in individuals with LIFR-related conditions. This variant is not present in population databases (ExAC no frequency).

Literature cited by the submitters: PubMed 14740318.

NM_001127671.2(LIFR):c.1655dup (p.Leu552fs)

Gene: LIFR (LIF receptor subunit alpha; minus strand). Cytogenetic location: 5p13.1.
Variant type: Duplication.
Coding change: c.1655dup on transcript NM_001127671.2 (MANE Select); coding-DNA position 1655, one base duplicated (T; older notation c.1655dupT).
Protein change: p.Leu552fs; shifts the reading frame from leucine 552.
Molecular consequence: frameshift variant.
Genome position (GRCh38, 1-based): chr5:38,499,529, A duplicated on the plus strand (T on the coding strand, the reverse complement: LIFR is on the minus strand); the first of 3 consecutive A bases (chr5:38,499,529-38,499,531); duplicating any one gives the same sequence. VCF-style (leftmost placement, unchanged base first): chr5-38499528-T-TA. GRCh37 (hg19) VCF-style: chr5-38499630-T-TA.
Other names: c.1655dup, p.Leu552fs (NM_001364297.2, NM_001364298.2, NM_002310.6); short protein forms L552fs.
Identifiers: ClinVar variation 937923 (VCV000937923.7), dbSNP rs1745065951, ClinGen allele CA1139658822.